The following is an entry in ClinVar:

NM_000492.4(CFTR):c.2083dup (p.Glu695fs)

Gene: CFTR (CF transmembrane conductance regulator; plus strand). Cytogenetic location: 7q31.2.
Variant type: Duplication.
Coding change: c.2083dup on transcript NM_000492.4 (MANE Select); coding-DNA position 2083, one base duplicated (G; older notation c.2083dupG).
Protein change: p.Glu695fs; shifts the reading frame from glutamic acid 695.
Molecular consequence: frameshift variant.
Genome position (GRCh38, 1-based): chr7:117,592,250, G duplicated; the last of 4 consecutive G bases (chr7:117,592,247-117,592,250); duplicating any one gives the same sequence. VCF-style (leftmost placement, unchanged base first): chr7-117592246-T-TG. GRCh37 (hg19) VCF-style: chr7-117232300-T-TG.
Other names: c.2083dupG (NM_000492.3, NM_000492.4); c.2083_2084insG (NM_000492.3); short protein forms E695fs.
Identifiers: ClinVar variation 53437 (VCV000053437.15), dbSNP rs397508339, ClinGen allele CA326745.
Genomic context (GRCh38, chr7:117,592,246, plus strand): 5'-AGATGCTCCTGTCTCCTGGACAGAAACAAAAAAACAATCTTTTAAACAGACTGGAGAGTT[T>TG]GGGGAAAAAAGGAAGAATTCTATTCTCAATCCAATCAACTCTATACGAAAATTTTCCATT-3'

ClinVar aggregate classification (germline): Pathogenic. Review status: criteria provided, multiple submitters, no conflicts (2 of 4 stars). 6 submissions from 6 submitters: Pathogenic (6). Last evaluated 2026-06-17.

Conditions:
CFTR-related disorder (CFTR-RD). Also called: CFTR-related disorders; CFTR-related condition. Identifiers: MedGen C5924204, MONDO:7770004.
Bronchiectasis with or without elevated sweat chloride 1 (BESC1). Also called: Cystic Fibrosis-Like Syndrome. Identifiers: Orphanet 60033, MedGen C2749757, MONDO:0008887, OMIM 211400.
Cystic fibrosis (CF). Also called: MUCOVISCIDOSIS. Identifiers: Orphanet 586, MedGen C0010674, MONDO:0009061, OMIM 219700. Disease mechanism: loss of function.

Submissions (6):

Ambry Genetics
Classification: Pathogenic for Cystic fibrosis. Last evaluated: 2026-06-17. Review status: criteria provided, single submitter. Criteria: Ambry Variant Classification Scheme 2023. Collection method: clinical testing. Allele origin: germline.
Comment: The c.2083dupG pathogenic mutation, located in coding exon 14 of the CFTR gene, results from a duplication of G at nucleotide position 2083, causing a translational frameshift with a predicted alternate stop codon (p.E695Gfs*35). This alteration is expected to result in loss of function by premature protein truncation or nonsense-mediated mRNA decay. As such, this alteration is interpreted as a disease-causing mutation.

Natera, Inc.
Classification: Pathogenic for CFTR-related disorders. Last evaluated: 2025-09-02. Review status: criteria provided, single submitter. Criteria: Natera Variant Classification Schema (03/2026). Collection method: clinical testing. Allele origin: germline.
Comment: The c.2083dupG variant in CFTR is a frameshift variant predicted to shift the reading frame beginning at codon 695 and leads to a stop codon 35 codons downstream. This variant is expected to result in nonsense mediated decay, truncation, or a dysfunctional protein product. This variant is rare in the general population with a frequency below the threshold expected for the associated phenotype(s). This variant has been observed in one or more individuals affected with the associated recessive disease, as either homozygous or compound heterozygous with a second variant (PMID: 30975616). Given the available evidence, this variant is classified as Pathogenic.

Women's Health and Genetics/Laboratory Corporation of America, LabCorp
Classification: Pathogenic for Cystic fibrosis. Last evaluated: 2024-12-23. Review status: criteria provided, single submitter. Criteria: LabCorp Variant Classification Summary - May 2015. Collection method: clinical testing. Allele origin: germline.
Comment: Variant summary: CFTR c.2083dupG (p.Glu695GlyfsX35) results in a premature termination codon, predicted to cause absence of the protein due to nonsense mediated decay, which is a commonly known mechanism for disease. The variant allele was found at a frequency of 8e-06 in 248958 control chromosomes (gnomAD). c.2083dupG has been reported in the literature in individuals affected with Cystic Fibrosis (e.g. Wu_2000). The following publication has been ascertained in the context of this evaluation (PMID: 10925568). ClinVar contains an entry for this variant (Variation ID: 53437). Based on the evidence outlined above, the variant was classified as pathogenic.

Baylor Genetics
Classification: Pathogenic for Bronchiectasis with or without elevated sweat chloride 1. Last evaluated: 2021-12-27. Review status: criteria provided, single submitter. Criteria: ACMG Guidelines, 2015. Collection method: clinical testing. Allele origin: unknown.

Labcorp Genetics (formerly Invitae), Labcorp
Classification: Pathogenic for Cystic fibrosis. Last evaluated: 2018-09-25. Review status: criteria provided, single submitter. Criteria: Invitae Variant Classification Sherloc (09022015). Collection method: clinical testing. Allele origin: germline.
Comment: This variant has been observed in several individuals affected with cystic fibrosis (PMID: 10925568, 12874665). This variant is also known as 2215insG. ClinVar contains an entry for this variant (Variation ID: 53437). For these reasons, this variant has been classified as Pathogenic. Loss-of-function variants in CFTR are known to be pathogenic (PMID: 1695717, 7691345, 9725922). This variant is present in population databases (rs781715088, ExAC 0.02%). This sequence change creates a premature translational stop signal (p.Glu695Glyfs*35) in the CFTR gene. It is expected to result in an absent or disrupted protein product.

Quest Diagnostics Nichols Institute San Juan Capistrano
Classification: Pathogenic. Last evaluated: 2016-11-03. Review status: criteria provided, single submitter. Criteria: Quest Diagnostics criteria. Collection method: clinical testing. Allele origin: germline.

Literature cited by the submitters: PubMed 30975616 (cited by Natera, Inc.); PubMed 10925568 (cited by 3 submitters); PubMed 12874665 (cited by Labcorp Genetics (formerly Invitae), Labcorp and Quest Diagnostics Nichols Institute San Juan Capistrano); PubMed 1695717 (cited by Labcorp Genetics (formerly Invitae), Labcorp); PubMed 7691345 (cited by Labcorp Genetics (formerly Invitae), Labcorp); PubMed 9725922 (cited by Labcorp Genetics (formerly Invitae), Labcorp); PubMed 25580864 (cited by Quest Diagnostics Nichols Institute San Juan Capistrano); PubMed 27717243 (cited by Quest Diagnostics Nichols Institute San Juan Capistrano); PubMed 27081564 (cited by Quest Diagnostics Nichols Institute San Juan Capistrano).